The following is an entry in ClinVar:

ClinVar aggregate classification (germline): Benign (1 of 4 stars; one submission).

Conditions:
Warburg micro syndrome 1 (WARBM1). Identifiers: Orphanet 2510, MedGen C1838625, MONDO:0010822, OMIM 600118.

Allele frequency attached by ClinVar (database versions not stated): 1000 Genomes Project 0.05152; 1000 Genomes Project 30x 0.05590; gnomAD exomes 0.00678; gnomAD 0.04459 and 0.04762; TOPMed 0.05025.
gnomAD v4.1: 6,692 of 152,790 alleles (4.4%); highest among the groups gnomAD compares: African/African-American, 15%; 494 homozygotes.

Submission:

Illumina Laboratory Services, Illumina
Classification: Benign for Warburg micro syndrome 1. Last evaluated: 2018-01-13. Review status: criteria provided, single submitter. Criteria: ICSL Variant Classification Criteria 13 December 2019. Collection method: clinical testing. Allele origin: germline.
Comment: This variant was observed in the ICSL laboratory as part of a predisposition screen in an ostensibly healthy population. It had not been previously curated by ICSL or reported in the Human Gene Mutation Database (HGMD: prior to June 1st, 2018), and was therefore a candidate for classification through an automated scoring system. Utilizing variant allele frequency, disease prevalence and penetrance estimates, and inheritance mode, an automated score was calculated to assess if this variant is too frequent to cause the disease. Based on the score and internal cut-off values, a variant classified as benign is not then subjected to further curation. The score for this variant resulted in a classification of benign for this disease.

NM_012233.3(RAB3GAP1):c.*1378T>C

Gene: RAB3GAP1 (RAB3 GTPase activating protein catalytic subunit 1; plus strand). Cytogenetic location: 2q21.3.
Variant type: single nucleotide variant.
Coding change: c.*1378T>C on transcript NM_012233.3 (MANE Select); 1378 bases downstream of the stop codon, T replaced by C.
Molecular consequence: 3 prime UTR variant.
Genome position (GRCh38, 1-based): chr2:135,170,159, T>C. VCF-style: chr2-135170159-T-C. GRCh37 (hg19) VCF-style: chr2-135927729-T-C.
Other names: c.*1378T>C (NM_001172435.2).
Identifiers: ClinVar variation 331149 (VCV000331149.5), dbSNP rs59746814, ClinGen allele CA10612128.